The following is an entry in ClinVar:

ClinVar aggregate classification (germline): Pathogenic (1 of 4 stars; one submission).

Submission:

Labcorp Genetics (formerly Invitae), Labcorp
Classification: Pathogenic. Last evaluated: 2021-12-24. Review status: criteria provided, single submitter. Criteria: Invitae Variant Classification Sherloc (09022015). Collection method: clinical testing. Allele origin: germline.
Comment: This sequence change creates a premature translational stop signal (p.Arg1790*) in the LAMA1 gene. It is expected to result in an absent or disrupted protein product. Loss-of-function variants in LAMA1 are known to be pathogenic (PMID: 25105227, 26932191). This variant is not present in population databases (gnomAD no frequency). This variant has not been reported in the literature in individuals affected with LAMA1-related conditions. Algorithms developed to predict the effect of sequence changes on RNA splicing suggest that this variant may create or strengthen a splice site. For these reasons, this variant has been classified as Pathogenic.

Literature cited by the submitters: PubMed 25105227; PubMed 26932191.

NM_005559.4(LAMA1):c.5368A>T (p.Arg1790Ter)

Gene: LAMA1 (laminin subunit alpha 1; minus strand). Cytogenetic location: 18p11.31.
Variant type: single nucleotide variant.
Coding change: c.5368A>T on transcript NM_005559.4 (MANE Select); coding-DNA position 5368, A replaced by T.
Protein change: p.Arg1790Ter; replaces arginine 1790 with a stop codon.
Molecular consequence: nonsense.
Genome position (GRCh38, 1-based): chr18:6,986,148, T>A on the plus strand (A>T on the coding strand, the complement: LAMA1 is on the minus strand). VCF-style: chr18-6986148-T-A. GRCh37 (hg19) VCF-style: chr18-6986147-T-A.
Other names: short protein forms R1790*.
Identifiers: ClinVar variation 2056499 (VCV002056499.4), dbSNP rs2510846100, ClinGen allele CA401838351.